The following is an entry in ClinVar:

NM_001378454.1(ALMS1):c.2300G>A (p.Arg767Lys)

Gene: ALMS1 (ALMS1 centrosome and basal body associated protein; plus strand). Cytogenetic location: 2p13.1.
Variant type: single nucleotide variant.
Coding change: c.2300G>A on transcript NM_001378454.1 (MANE Select); coding-DNA position 2300, G replaced by A.
Protein change: p.Arg767Lys; replaces arginine 767 with lysine.
Molecular consequence: missense variant.
Genome position (GRCh38, 1-based): chr2:73,448,827, G>A. VCF-style: chr2-73448827-G-A. GRCh37 (hg19) VCF-style: chr2-73675954-G-A.
Other names: c.2303G>A, p.Arg768Lys (NM_015120.4); short protein forms R767K, R768K.
Identifiers: ClinVar variation 3226597 (VCV003226597.1), dbSNP rs2466094258, ClinGen allele CA347267606.
Genomic context (GRCh38, chr2:73,448,827, plus strand): 5'-CTGGACCAGCTGACCAGAAGACTGAGATACCAGCAGTACAGTCTAGTTCTTACTCACAAA[G>A]AGAAAAGCCTAGTATTTTGTACCCACAGGACTTAGCAGACAGTCATCTACCTGAAGAGGG-3'
Protein context (NP_001365383.1, residues 757-777): PAVQSSSYSQ[Arg767Lys]EKPSILYPQD

ClinVar aggregate classification (germline): Uncertain significance (1 of 4 stars; one submission).

Conditions:
Cardiovascular phenotype. Identifiers: MedGen CN230736.

Allele frequency attached by ClinVar (database versions not stated): gnomAD exomes 0.00001.
gnomAD v4.1: 10 of 1,613,992 alleles (0.00062%); highest among the groups gnomAD compares: Non-Finnish European, 0.00085%; no homozygotes.

Submission:

Ambry Genetics
Classification: Uncertain significance for Cardiovascular phenotype. Last evaluated: 2023-02-19. Review status: criteria provided, single submitter. Criteria: Ambry Variant Classification Scheme 2023. Collection method: clinical testing. Allele origin: germline.
Comment: The p.R768K variant (also known as c.2303G>A), located in coding exon 8 of the ALMS1 gene, results from a G to A substitution at nucleotide position 2303. The arginine at codon 768 is replaced by lysine, an amino acid with highly similar properties. This amino acid position is not well conserved in available vertebrate species. In addition, this alteration is predicted to be tolerated by in silico analysis. Since supporting evidence is limited at this time, the clinical significance of this alteration remains unclear.